The following is an entry in ClinVar:

ClinVar aggregate classification (germline): Pathogenic. Review status: criteria provided, multiple submitters, no conflicts (2 of 4 stars). 3 submissions from 3 submitters: Pathogenic (2). 1 of the submissions does not count toward it. Last evaluated 2025-03-30.

Conditions:
Spinocerebellar ataxia type 40. Identifiers: Orphanet 423275, MedGen C4518336, MONDO:0014475, OMIM 616053.
Hydrocephalus, nonsyndromic, autosomal recessive 1 (HYC1). Also called: Congenital hydrocephalus 1; Hydrocephalus, nonsyndromic, autosomal recessive. Identifiers: Orphanet 2185, MedGen C3887608, MONDO:0009360, OMIM 236600.

Allele frequency attached by ClinVar (database versions not stated): gnomAD exomes below 0.00001; gnomAD 0.00001; ExAC 0.00002.
gnomAD v4.1: 6 of 1,612,914 alleles (0.00037%); highest among the groups gnomAD compares: East Asian, 0.0022%; no homozygotes.

Submissions (3):

Myriad Genetics, Inc.
Classification: Pathogenic for Hydrocephalus, nonsyndromic, autosomal recessive 1. Last evaluated: 2025-03-30. Review status: criteria provided, single submitter. Criteria: Myriad Autosomal Dominant, Autosomal Recessive and X-Linked Classification Criteria (2023). Collection method: clinical testing. Allele origin: unknown.
Comment: NM_001080414.3(CCDC88C):c.1702C>T(R568*) is expected to be pathogenic in the context of congenital hydrocephalus, CCDC88C-related. This variant is predicted to lead to an abnormal or absent protein product due to the creation of a premature termination codon in CCDC88C, a gene where loss-of-function variants are known to be pathogenic. Please note: this variant was assessed in the context of healthy population screening.

Labcorp Genetics (formerly Invitae), Labcorp
Classification: Pathogenic. Last evaluated: 2024-02-25. Review status: criteria provided, single submitter. Criteria: Invitae Variant Classification Sherloc (09022015). Collection method: clinical testing. Allele origin: germline.
Comment: This sequence change creates a premature translational stop signal (p.Arg568*) in the CCDC88C gene. It is expected to result in an absent or disrupted protein product. Loss-of-function variants in CCDC88C are known to be pathogenic (PMID: 23042809, 29225145). This variant is present in population databases (rs777488098, gnomAD 0.006%). This premature translational stop signal has been observed in individual(s) with hydrocephalus (PMID: 29225145). For these reasons, this variant has been classified as Pathogenic.

Solve-RD Consortium
Classification: Likely pathogenic for Spinocerebellar ataxia type 40. Last evaluated: 2022-06-01. Review status: no assertion criteria provided. Collection method: provider interpretation. Allele origin: inherited. Affected: yes. Not counted in ClinVar's aggregate classification.
Comment: Variant confirmed as disease-causing by referring clinical team

Variant identified during reanalysis of unsolved cases by the Solve-RD project. The Solve-RD project has received funding from the European Union’s Horizon 2020 research and innovation programme under grant agreement No 779257.

Literature cited by the submitters: PubMed 23042809 (cited by Labcorp Genetics (formerly Invitae), Labcorp); PubMed 29225145 (cited by Labcorp Genetics (formerly Invitae), Labcorp); PubMed 39825153 (cited by Solve-RD Consortium).

NM_001080414.4(CCDC88C):c.1702C>T (p.Arg568Ter)

Gene: CCDC88C (coiled-coil and HOOK domain protein 88C; minus strand). Cytogenetic location: 14q32.11.
Variant type: single nucleotide variant.
Coding change: c.1702C>T on transcript NM_001080414.4 (MANE Select); coding-DNA position 1702, C replaced by T.
Protein change: p.Arg568Ter; replaces arginine 568 with a stop codon.
Molecular consequence: nonsense.
Genome position (GRCh38, 1-based): chr14:91,314,114, G>A on the plus strand (C>T on the coding strand, the complement: CCDC88C is on the minus strand). VCF-style: chr14-91314114-G-A. GRCh37 (hg19) VCF-style: chr14-91780458-G-A.
Other names: short protein forms R568*.
Identifiers: ClinVar variation 2841702 (VCV002841702.5), dbSNP rs777488098, ClinGen allele CA7309836.
Genomic context (GRCh38, chr14:91,314,114, plus strand): 5'-CGTCTTTCATGCGGGCCTCACTGCTGACCTGCGACCTCTCCCGCAGCGACCACATGGCTC[G>A]GTTGAGGTGGTCCTTTTCCTGCTCAAGGTCCTTGATCTACGGGAAAACACAACAGGCACA-3'